The following is an entry in ClinVar:

NM_017780.4(CHD7):c.5952T>G (p.Ile1984Met)

Gene: CHD7 (chromodomain helicase DNA binding protein 7; plus strand). Cytogenetic location: 8q12.2.
Variant type: single nucleotide variant.
Coding change: c.5952T>G on transcript NM_017780.4 (MANE Select); coding-DNA position 5952, T replaced by G.
Protein change: p.Ile1984Met; replaces isoleucine 1984 with methionine.
Molecular consequence: missense variant. On other transcripts: intron variant (1).
Genome position (GRCh38, 1-based): chr8:60,852,555, T>G. VCF-style: chr8-60852555-T-G. GRCh37 (hg19) VCF-style: chr8-61765114-T-G.
Other names: c.1717-9674T>G (NM_001316690.1); short protein forms I1984M.
Identifiers: ClinVar variation 2002054 (VCV002002054.4), dbSNP rs1183427297, ClinGen allele CA371323779.

ClinVar aggregate classification (germline): Uncertain significance (1 of 4 stars; one submission).

Conditions:
CHARGE syndrome (CHARGE). Also called: Hittner Hirsch Kreh syndrome; CHARGE ASSOCIATION--COLOBOMA, HEART ANOMALY, CHOANAL ATRESIA, RETARDATION, GENITAL AND EAR ANOMALIES; Coloboma, heart anomaly, choanal atresia, retardation, genital and ear anomalies; CHARGE association; Hall-Hittner syndrome. Identifiers: Orphanet 138, MedGen C0265354, MONDO:0008965.

Allele frequency attached by ClinVar (database versions not stated): TOPMed below 0.00001; gnomAD 0.00001.
gnomAD v4.1: 1 of 1,613,852 alleles (0.000062%); highest among the groups gnomAD compares: African/African-American, 0.0013%; no homozygotes.

Submission:

Labcorp Genetics (formerly Invitae), Labcorp
Classification: Uncertain significance for CHARGE syndrome. Last evaluated: 2022-06-10. Review status: criteria provided, single submitter. Criteria: Invitae Variant Classification Sherloc (09022015). Collection method: clinical testing. Allele origin: germline.
Comment: This sequence change replaces isoleucine, which is neutral and non-polar, with methionine, which is neutral and non-polar, at codon 1984 of the CHD7 protein (p.Ile1984Met). This variant is not present in population databases (gnomAD no frequency). This variant has not been reported in the literature in individuals affected with CHD7-related conditions. Advanced modeling of protein sequence and biophysical properties (such as structural, functional, and spatial information, amino acid conservation, physicochemical variation, residue mobility, and thermodynamic stability) performed at Invitae indicates that this missense variant is not expected to disrupt CHD7 protein function. In summary, the available evidence is currently insufficient to determine the role of this variant in disease. Therefore, it has been classified as a Variant of Uncertain Significance.